The following is an entry in ClinVar:

ClinVar aggregate classification (germline): Uncertain significance (1 of 4 stars; one submission).

gnomAD v4.1: 1 of 1,592,402 alleles (0.000063%); no homozygotes.

Submission:

Labcorp Genetics (formerly Invitae), Labcorp
Classification: Uncertain significance. Last evaluated: 2022-06-22. Review status: criteria provided, single submitter. Criteria: Invitae Variant Classification Sherloc (09022015). Collection method: clinical testing. Allele origin: germline.
Comment: This variant is not present in population databases (gnomAD no frequency). This sequence change replaces serine, which is neutral and polar, with glycine, which is neutral and non-polar, at codon 978 of the C5 protein (p.Ser978Gly). This variant has not been reported in the literature in individuals affected with C5-related conditions. In summary, the available evidence is currently insufficient to determine the role of this variant in disease. Therefore, it has been classified as a Variant of Uncertain Significance. Algorithms developed to predict the effect of missense changes on protein structure and function are either unavailable or do not agree on the potential impact of this missense change (SIFT: "Deleterious"; PolyPhen-2: "Possibly Damaging"; Align-GVGD: "Class C0").

NM_001735.3(C5):c.2932A>G (p.Ser978Gly)

Gene: C5 (complement C5; minus strand). Cytogenetic location: 9q33.2.
Variant type: single nucleotide variant.
Coding change: c.2932A>G on transcript NM_001735.3 (MANE Select); coding-DNA position 2932, A replaced by G.
Protein change: p.Ser978Gly; replaces serine 978 with glycine.
Molecular consequence: missense variant.
Genome position (GRCh38, 1-based): chr9:120,991,200, T>C on the plus strand (A>G on the coding strand, the complement: C5 is on the minus strand). VCF-style: chr9-120991200-T-C. GRCh37 (hg19) VCF-style: chr9-123753478-T-C.
Other names: c.2950A>G, p.Ser984Gly (NM_001317163.2); short protein forms S984G, S978G.
Identifiers: ClinVar variation 1967697 (VCV001967697.5), dbSNP rs749287526, ClinGen allele CA199358048.